The following is an entry in ClinVar:

ClinVar aggregate classification (germline): Conflicting classifications of pathogenicity. Review status: criteria provided, conflicting classifications (1 of 4 stars). 3 submissions from 3 submitters: Uncertain significance (1); Likely benign (2). Last evaluated 2024-05-01.

Conditions:
Hereditary cancer-predisposing syndrome. Also called: Tumor predisposition; Neoplastic Syndromes, Hereditary; Hereditary neoplastic syndrome; Hereditary Cancer Syndrome. Identifiers: Orphanet 140162, MedGen C0027672, MeSH D009386, MONDO:0015356.
Ataxia-telangiectasia-like disorder 1 (ATLD1). Identifiers: Orphanet 251347, MedGen C4012790, MONDO:0024557, OMIM 604391.

Allele frequency attached by ClinVar (database versions not stated): gnomAD exomes 0.00001; ExAC 0.00002; gnomAD 0.00003.
gnomAD v4.1: 57 of 1,613,902 alleles (0.0035%); highest among the groups gnomAD compares: Non-Finnish European, 0.0047%; no homozygotes.

Submissions (3):

CeGaT Center for Human Genetics Tuebingen
Classification: Likely benign. Last evaluated: 2024-05-01. Review status: criteria provided, single submitter. Criteria: CeGaT Center For Human Genetics Tuebingen Variant Classification Criteria Version 2. Collection method: clinical testing. Allele origin: germline. Affected: yes. Observed: 1 variant allele.
Comment: MRE11: BP4, BP7

Illumina Laboratory Services, Illumina
Classification: Uncertain significance for Ataxia-telangiectasia-like disorder 1. Last evaluated: 2018-01-13. Review status: criteria provided, single submitter. Criteria: ICSL Variant Classification Criteria 13 December 2019. Collection method: clinical testing. Allele origin: germline.

Ambry Genetics
Classification: Likely benign for Hereditary cancer-predisposing syndrome. Last evaluated: 2017-09-13. Review status: criteria provided, single submitter. Criteria: Ambry Variant Classification Scheme 2023. Collection method: clinical testing. Allele origin: germline.

NM_005591.4(MRE11):c.18A>T (p.Ala6=)

Gene: MRE11 (MRE11 double strand break repair nuclease; minus strand). Cytogenetic location: 11q21.
Variant type: single nucleotide variant.
Coding change: c.18A>T on transcript NM_005591.4 (MANE Select); coding-DNA position 18, A replaced by T.
Protein change: p.Ala6=; no amino-acid change (alanine 6 retained).
Molecular consequence: synonymous variant.
Genome position (GRCh38, 1-based): chr11:94,492,784, T>A on the plus strand (A>T on the coding strand, the complement: MRE11 is on the minus strand). VCF-style: chr11-94492784-T-A. GRCh37 (hg19) VCF-style: chr11-94225950-T-A.
Other names: c.18A>T, p.Ala6= (NM_001330347.2, NM_005590.4).
Identifiers: ClinVar variation 306496 (VCV000306496.28), dbSNP rs758314845, ClinGen allele CA6235518.